The following is an entry in ClinVar:

ClinVar aggregate classification (germline): Uncertain significance (1 of 4 stars; one submission).

Submission:

Labcorp Genetics (formerly Invitae), Labcorp
Classification: Uncertain significance. Last evaluated: 2022-10-19. Review status: criteria provided, single submitter. Criteria: Invitae Variant Classification Sherloc (09022015). Collection method: clinical testing. Allele origin: germline.
Comment: In summary, the available evidence is currently insufficient to determine the role of this variant in disease. Therefore, it has been classified as a Variant of Uncertain Significance. Algorithms developed to predict the effect of missense changes on protein structure and function (SIFT, PolyPhen-2, Align-GVGD) all suggest that this variant is likely to be tolerated. This variant has not been reported in the literature in individuals affected with DIAPH3-related conditions. This variant is not present in population databases (gnomAD no frequency). This sequence change replaces lysine, which is basic and polar, with glutamic acid, which is acidic and polar, at codon 319 of the DIAPH3 protein (p.Lys319Glu).

NM_001042517.2(DIAPH3):c.955A>G (p.Lys319Glu)

Gene: DIAPH3 (diaphanous related formin 3; minus strand). Cytogenetic location: 13q21.2.
Variant type: single nucleotide variant.
Coding change: c.955A>G on transcript NM_001042517.2 (MANE Select); coding-DNA position 955, A replaced by G.
Protein change: p.Lys319Glu; replaces lysine 319 with glutamic acid.
Molecular consequence: missense variant.
Genome position (GRCh38, 1-based): chr13:60,008,603, T>C on the plus strand (A>G on the coding strand, the complement: DIAPH3 is on the minus strand). VCF-style: chr13-60008603-T-C. GRCh37 (hg19) VCF-style: chr13-60582737-T-C.
Other names: c.922A>G, p.Lys308Glu (NM_001258366.2); c.817A>G, p.Lys273Glu (NM_001258367.2); c.745A>G, p.Lys249Glu (NM_001258368.2); c.955A>G, p.Lys319Glu (NM_001258369.2); c.166A>G, p.Lys56Glu (NM_001258370.2, NM_030932.4); short protein forms K249E, K273E, K308E, K319E, K56E.
Identifiers: ClinVar variation 1721847 (VCV001721847.5), dbSNP rs2502662715, ClinGen allele CA388334709.
Genomic context (GRCh38, chr13:60,008,603, plus strand): 5'-CTTGCAGTTGAACTGAATTGTGCCGGAGGCCTTCCACAATACAAAAAAATCTGTCAATTT[T>C]TTTTTCTTCACCAGCTGAAGTTAAAGCTTCTAAAACTTCTTCAAGGCTATTGGAAAATTT-3'
Protein context (NP_001035982.1, residues 309-329): EALTSAGEEK[Lys319Glu]IDRFFCIVEG